The following is an entry in ClinVar:

ClinVar aggregate classification (germline): Uncertain significance (1 of 4 stars; one submission).

Conditions:
Mucopolysaccharidosis, MPS-II (MPS2). Also called: IDS deficiency; Sulfoiduronate sulfatase deficiency; SIDS deficiency; Mucopolysaccharidosis type 2; Attenuated MPS (subtype; formerly known as mild MPS II); Severe MPS II. Identifiers: Orphanet 580, Orphanet 79388, MedGen C0026705, MONDO:0010674, OMIM 309900.

gnomAD v4.1: 5 of 1,209,079 alleles (0.00041%); highest among the groups gnomAD compares: Admixed American, 0.0022%; no homozygotes.

Submission:

Labcorp Genetics (formerly Invitae), Labcorp
Classification: Uncertain significance for Mucopolysaccharidosis, MPS-II. Last evaluated: 2023-10-03. Review status: criteria provided, single submitter. Criteria: Invitae Variant Classification Sherloc (09022015). Collection method: clinical testing. Allele origin: germline.
Comment: This sequence change replaces valine, which is neutral and non-polar, with isoleucine, which is neutral and non-polar, at codon 22 of the IDS protein (p.Val22Ile). This variant is not present in population databases (gnomAD no frequency). This variant has not been reported in the literature in individuals affected with IDS-related conditions. ClinVar contains an entry for this variant (Variation ID: 2172657). Advanced modeling of protein sequence and biophysical properties (such as structural, functional, and spatial information, amino acid conservation, physicochemical variation, residue mobility, and thermodynamic stability) performed at Invitae indicates that this missense variant is not expected to disrupt IDS protein function. In summary, the available evidence is currently insufficient to determine the role of this variant in disease. Therefore, it has been classified as a Variant of Uncertain Significance.

NM_000202.8(IDS):c.64G>A (p.Val22Ile)

Genes: IDS (iduronate 2-sulfatase; minus strand), LOC130068781 (ATAC-STARR-seq lymphoblastoid active region 30015; plus strand). Cytogenetic location: Xq28.
Variant type: single nucleotide variant.
Coding change: c.64G>A on transcript NM_000202.8 (MANE Select); coding-DNA position 64, G replaced by A.
Protein change: p.Val22Ile; replaces valine 22 with isoleucine.
Molecular consequence: missense variant. On other transcripts: 5 prime UTR variant (1), non-coding transcript variant (1).
Genome position (GRCh38, 1-based): chrX:149,505,074, C>T on the plus strand (G>A on the coding strand, the complement: IDS is on the minus strand). VCF-style: chrX-149505074-C-T. GRCh37 (hg19) VCF-style: chrX-148586604-C-T.
Other names: c.-163G>A (NM_001166550.4); c.64G>A, p.Val22Ile (NM_006123.5); short protein forms V22I.
Identifiers: ClinVar variation 2172657 (VCV002172657.4), dbSNP rs2520910307, ClinGen allele CA414528356.